The following is an entry in ClinVar:

ClinVar aggregate classification (germline): Uncertain significance (1 of 4 stars; one submission).

Conditions:
Microcephaly 5, primary, autosomal recessive (MCPH5). Also called: ASPM Primary Microcephaly. Identifiers: Orphanet 2512, MedGen C1837501, MONDO:0012106, OMIM 608716.

Submission:

Broad Center for Mendelian Genomics, Broad Institute of MIT and Harvard
Classification: Uncertain significance for Microcephaly 5, primary, autosomal recessive. Last evaluated: 2022-05-04. Review status: criteria provided, single submitter. Criteria: ACMG Guidelines, 2015. Collection method: curation. Allele origin: germline. Inheritance: Autosomal recessive inheritance.
Comment: The variant has been reported in 2 Arabic siblings with autosomal recessive primary microcephaly 5 (Al-Gazali, 2010, unpublished), but was absent from large population studies. Computational prediction tools and conservation analyses suggest that this variant may impact the protein, though this information is not predictive enough to determine pathogenicity. The presence of this variant in at least 2 affected homozygotes, and in 2 individuals with autosomal recessive primary microcephaly 5 increases the likelihood that the p.Leu1023Val variant is pathogenic (Al-Gazali, 2010, unpublished). In summary, the clinical significance of the p.Leu1023Val variant is uncertain. ACMG/AMP Criteria applied: PM2, PM3, PP3 (Richards 2015).

NM_018136.5(ASPM):c.3067T>G (p.Leu1023Val)

Gene: ASPM (assembly factor for spindle microtubules; minus strand). Cytogenetic location: 1q31.3.
Variant type: single nucleotide variant.
Coding change: c.3067T>G on transcript NM_018136.5 (MANE Select); coding-DNA position 3067, T replaced by G.
Protein change: p.Leu1023Val; replaces leucine 1023 with valine.
Molecular consequence: missense variant.
Genome position (GRCh38, 1-based): chr1:197,125,061, A>C on the plus strand (T>G on the coding strand, the complement: ASPM is on the minus strand). VCF-style: chr1-197125061-A-C. GRCh37 (hg19) VCF-style: chr1-197094191-A-C.
Other names: NM_018136.5:c.3067T>G; c.3067T>G, p.Leu1023Val (NM_001206846.2); short protein forms L1023V.
Identifiers: ClinVar variation 1679839 (VCV001679839.1), dbSNP rs2125105601, ClinGen allele CA344044824.